The following is an entry in ClinVar:

ClinVar aggregate classification (germline): Uncertain significance (1 of 4 stars; one submission).

Conditions:
Hereditary cancer-predisposing syndrome. Also called: Neoplastic Syndromes, Hereditary; Tumor predisposition; Hereditary neoplastic syndrome; Hereditary Cancer Syndrome. Identifiers: Orphanet 140162, MedGen C0027672, MeSH D009386, MONDO:0015356.

Submission:

Ambry Genetics
Classification: Uncertain significance for Hereditary cancer-predisposing syndrome. Last evaluated: 2018-02-27. Review status: criteria provided, single submitter. Criteria: Ambry Variant Classification Scheme 2023. Collection method: clinical testing. Allele origin: germline.
Comment: The p.N1282S variant (also known as c.3845A>G), located in coding exon 26 of the SMARCA4 gene, results from an A to G substitution at nucleotide position 3845. The asparagine at codon 1282 is replaced by serine, an amino acid with highly similar properties. This amino acid position is well conserved in available vertebrate species. In addition, this alteration is predicted to be tolerated by in silico analysis. Since supporting evidence is limited at this time, the clinical significance of this alteration remains unclear.

NM_003072.5(SMARCA4):c.3845A>G (p.Asn1282Ser)

Gene: SMARCA4 (SWI/SNF related BAF chromatin remodeling complex subunit ATPase 4; plus strand). Cytogenetic location: 19p13.2.
Variant type: single nucleotide variant.
Coding change: c.3845A>G on transcript NM_003072.5 (MANE Select); coding-DNA position 3845, A replaced by G.
Protein change: p.Asn1282Ser; replaces asparagine 1282 with serine.
Molecular consequence: missense variant. On other transcripts: intron variant (5).
Genome position (GRCh38, 1-based): chr19:11,033,837, A>G. VCF-style: chr19-11033837-A-G. GRCh37 (hg19) VCF-style: chr19-11144513-A-G.
Other names: c.3845A>G, p.Asn1282Ser (NM_001128844.3, NM_001128849.3); c.3775-286A>G (NM_001128847.4, NM_001374457.1, NM_001128845.2 and 2 more transcripts); short protein forms N1282S.
Identifiers: ClinVar variation 824290 (VCV000824290.4), dbSNP rs1600393944, ClinGen allele CA404066734.